The following is an entry in ClinVar:

NC_000005.9:g.(118810156_118811400)_(118811566_118813111)del

Gene: HSD17B4 (hydroxysteroid 17-beta dehydrogenase 4; plus strand). Cytogenetic location: 5q23.1.
Variant type: Deletion.
Identifiers: ClinVar variation 3366513 (VCV003366513.1).

ClinVar aggregate classification (germline): Pathogenic (1 of 4 stars; one submission).

Conditions:
Bifunctional peroxisomal enzyme deficiency (DBIF). Also called: D-bifunctional protein deficiency; DBP DEFICIENCY; PBFE DEFICIENCY. Identifiers: Orphanet 300, MedGen C0342870, MONDO:0009855, OMIM 261515. Disease mechanism: loss of function.

Submission:

Women's Health and Genetics/Laboratory Corporation of America, LabCorp
Classification: Pathogenic for Bifunctional peroxisomal enzyme deficiency. Last evaluated: 2024-08-28. Review status: criteria provided, single submitter. Criteria: LabCorp Variant Classification Summary - May 2015. Collection method: clinical testing. Allele origin: germline.
Comment: Variant summary: The variant involves the deletion of exons 5-6 in the HSD17B4 gene. A presumed nomenclature of c.(280+1_281-1)_(349+1_350-1)del has been designated for the purposes of this classification. This Copy Number Variant (CNV) is predicted to result in an in-frame deletion within this gene. The variant was absent in 21694 control chromosomes. To our knowledge, no occurrence of c.(280+1_281-1)_(349+1_350-1)del in individuals affected with D-Bifunctional Protein Deficiency and no experimental evidence demonstrating its impact on protein function have been reported. A missense variant within the deleted region (p.Asn98Ser CV ID 1459118) has been determined to be pathogenic, supporting the critical relevance of this region to HSD17B4 protein function. No submitters have cited clinical-significance assessments for this variant to ClinVar. Based on the evidence outlined above, the variant was classified as pathogenic.